The following is an entry in ClinVar:

NM_020442.6(VARS2):c.631C>T (p.Arg211Trp)

Gene: VARS2 (valyl-tRNA synthetase 2, mitochondrial; plus strand). Cytogenetic location: 6p21.33.
Variant type: single nucleotide variant.
Coding change: c.631C>T on transcript NM_020442.6 (MANE Select); coding-DNA position 631, C replaced by T.
Protein change: p.Arg211Trp; replaces arginine 211 with tryptophan.
Molecular consequence: missense variant.
Genome position (GRCh38, 1-based): chr6:30,916,209, C>T. VCF-style: chr6-30916209-C-T. GRCh37 (hg19) VCF-style: chr6-30883986-C-T.
Other names: p.Arg241Trp; c.211C>T, p.Arg71Trp (NM_001167733.3); c.721C>T, p.Arg241Trp (NM_001167734.2); short protein forms R71W, R241W, R211W.
Identifiers: ClinVar variation 1029206 (VCV001029206.5), dbSNP rs544609783, ClinGen allele CA3705672.

ClinVar aggregate classification (germline): Uncertain significance. Review status: criteria provided, multiple submitters, no conflicts (2 of 4 stars). 2 submissions from 2 submitters: Uncertain significance (2). Last evaluated 2021-09-17.

Conditions:
Combined oxidative phosphorylation defect type 20. Also called: Combined oxidative phosphorylation deficiency 20. Identifiers: Orphanet 420728, MedGen C4014660, MONDO:0014397, OMIM 615917.

Allele frequency attached by ClinVar (database versions not stated): gnomAD 0.00001; gnomAD exomes 0.00001; TOPMed 0.00003; ExAC 0.00001.

Submissions (2):

Mayo Clinic Laboratories, Mayo Clinic
Classification: Uncertain significance. Last evaluated: 2021-09-17. Review status: criteria provided, single submitter. Criteria: ACMG Guidelines, 2015. Collection method: clinical testing. Allele origin: germline.

Baylor Genetics
Classification: Uncertain significance for Combined oxidative phosphorylation defect type 20. Last evaluated: 2019-12-10. Review status: criteria provided, single submitter. Criteria: ACMG Guidelines, 2015. Collection method: clinical testing. Allele origin: unknown. Affected: yes.
Comment: This variant was determined to be of uncertain significance according to ACMG Guidelines, 2015 [PMID:25741868].